The following is an entry in ClinVar:

NM_004859.4(CLTC):c.1522-8_1522-5del

Gene: CLTC (clathrin heavy chain; plus strand). Cytogenetic location: 17q23.1.
Variant type: Microsatellite.
Coding change: c.1522-8_1522-5del on transcript NM_004859.4 (MANE Select); 8 bases into the intron before coding-DNA position 1522 through 5 bases into the intron before coding-DNA position 1522, 4 bases deleted (GTTT; older notation c.1522-8_1522-5delGTTT).
Molecular consequence: intron variant.
Genome position (GRCh38, 1-based): chr17:59,664,779-59,664,782, GTTT deleted; deleting any 4 consecutive bases within chr17:59,664,772-59,664,782 gives the same sequence; the c. name uses the placement nearest the transcript's 3' end. VCF-style (leftmost placement, unchanged base first): chr17-59664771-CTTTG-C. GRCh37 (hg19) VCF-style: chr17-57742132-CTTTG-C.
Other names: c.1534-8_1534-5del (NM_001288653.2).
Identifiers: ClinVar variation 1386539 (VCV001386539.6), dbSNP rs567648156, ClinGen allele CA8681239.

ClinVar aggregate classification (germline): Uncertain significance (1 of 4 stars; one submission).

Submission:

Labcorp Genetics (formerly Invitae), Labcorp
Classification: Uncertain significance. Last evaluated: 2025-10-21. Review status: criteria provided, single submitter. Criteria: Invitae Variant Classification Sherloc (09022015). Collection method: clinical testing. Allele origin: germline.
Comment: This sequence change falls in intron 9 of the CLTC gene. It does not directly change the encoded amino acid sequence of the CLTC protein. This variant is present in population databases (rs567648156, gnomAD 0.006%). This variant has not been reported in the literature in individuals affected with CLTC-related conditions. Algorithms developed to predict the effect of sequence changes on RNA splicing suggest that this variant may disrupt the consensus splice site. In summary, the available evidence is currently insufficient to determine the role of this variant in disease. Therefore, it has been classified as a Variant of Uncertain Significance.